The following is an entry in ClinVar:

ClinVar aggregate classification (germline): Conflicting classifications of pathogenicity. Review status: criteria provided, conflicting classifications (1 of 4 stars). 5 submissions from 5 submitters: Uncertain significance (2); Likely benign (3). Last evaluated 2024-12-19.

Conditions:
Lynch syndrome 5 (LYNCH5). Also called: Colorectal cancer, hereditary nonpolyposis, type 5; Hereditary non-polyposis colorectal cancer, type 5. Identifiers: Orphanet 144, MedGen C1833477, MONDO:0013710, OMIM 614350. Disease mechanism: loss of function.
Hereditary nonpolyposis colorectal neoplasms. Identifiers: MedGen C0009405, MeSH D003123.
Hereditary cancer-predisposing syndrome. Also called: Neoplastic Syndromes, Hereditary; Tumor predisposition; Hereditary Cancer Syndrome; Hereditary neoplastic syndrome. Identifiers: Orphanet 140162, MedGen C0027672, MeSH D009386, MONDO:0015356.

Submissions (5):

Myriad Genetics, Inc.
Classification: Likely benign for Lynch syndrome 5. Last evaluated: 2024-12-19. Review status: criteria provided, single submitter. Criteria: Myriad Autosomal Dominant, Autosomal Recessive and X-Linked Classification Criteria (2023). Collection method: clinical testing. Allele origin: unknown.
Comment: This variant is considered likely benign. This variant is intronic and is not expected to impact mRNA splicing.

Labcorp Genetics (formerly Invitae), Labcorp
Classification: Uncertain significance for Hereditary nonpolyposis colorectal neoplasms. Last evaluated: 2022-06-07. Review status: criteria provided, single submitter. Criteria: Invitae Variant Classification Sherloc (09022015). Collection method: clinical testing. Allele origin: germline.
Comment: This sequence change falls in intron 3 of the MSH6 gene. It does not directly change the encoded amino acid sequence of the MSH6 protein. It affects a nucleotide within the consensus splice site. This variant is not present in population databases (gnomAD no frequency). This variant has not been reported in the literature in individuals affected with MSH6-related conditions. ClinVar contains an entry for this variant (Variation ID: 232016). Variants that disrupt the consensus splice site are a relatively common cause of aberrant splicing (PMID: 17576681, 9536098). Algorithms developed to predict the effect of sequence changes on RNA splicing suggest that this variant may disrupt the consensus splice site. In summary, the available evidence is currently insufficient to determine the role of this variant in disease. Therefore, it has been classified as a Variant of Uncertain Significance.

Ambry Genetics
Classification: Likely benign for Hereditary cancer-predisposing syndrome. Last evaluated: 2021-09-24. Review status: criteria provided, single submitter. Criteria: Ambry Variant Classification Scheme 2023. Collection method: clinical testing. Allele origin: germline.

Women's Health and Genetics/Laboratory Corporation of America, LabCorp
Classification: Uncertain significance. Last evaluated: 2021-09-10. Review status: criteria provided, single submitter. Criteria: LabCorp Variant Classification Summary - May 2015. Collection method: clinical testing. Allele origin: germline.
Comment: Variant summary: MSH6 c.627+3G>A alters a non-conserved nucleotide located close to a canonical splice site and therefore could affect mRNA splicing, leading to a significantly altered protein sequence. 4/4 computational tools predict no significant impact on normal splicing. However, these predictions have yet to be confirmed by functional studies. The variant was absent in 251190 control chromosomes (gnomAD). The available data on variant occurrences in the general population are insufficient to allow any conclusion about variant significance. To our knowledge, no occurrence of c.627+3G>A in individuals affected with Lynch Syndrome and no experimental evidence demonstrating its impact on protein function have been reported. Three ClinVar submitters (evaluation after 2014) cite the variant as likely benign (n=1) and uncertain significance (n=2). Based on the evidence outlined above, the variant was classified as uncertain significance.

GeneDx
Classification: Likely benign. Last evaluated: 2016-08-26. Review status: criteria provided, single submitter. Criteria: GeneDx Variant Classification (06012015). Collection method: clinical testing. Allele origin: germline. Affected: yes.
Comment: This variant is considered likely benign or benign based on one or more of the following criteria: it is a conservative change, it occurs at a poorly conserved position in the protein, it is predicted to be benign by multiple in silico algorithms, and/or has population frequency not consistent with disease.

Literature cited by the submitters: PubMed 17576681 (cited by Labcorp Genetics (formerly Invitae), Labcorp); PubMed 9536098 (cited by Labcorp Genetics (formerly Invitae), Labcorp).

NM_000179.3(MSH6):c.627+3G>A

Gene: MSH6 (mutS homolog 6; plus strand). Cytogenetic location: 2p16.3.
Variant type: single nucleotide variant.
Coding change: c.627+3G>A on transcript NM_000179.3 (MANE Select); 3 bases into the intron after coding-DNA position 627, G replaced by A.
Molecular consequence: intron variant.
Genome position (GRCh38, 1-based): chr2:47,796,066, G>A. VCF-style: chr2-47796066-G-A. GRCh37 (hg19) VCF-style: chr2-48023205-G-A.
Other names: c.-279-2545G>A (NM_001281493.2); c.238-2545G>A (NM_001281492.2); c.-276+3G>A (NM_001281494.2).
Identifiers: ClinVar variation 232016 (VCV000232016.13), dbSNP rs876659495, ClinGen allele CA10578039.